The following is an entry in ClinVar:

ClinVar aggregate classification (germline): Conflicting classifications of pathogenicity. Review status: criteria provided, conflicting classifications (1 of 4 stars). 9 submissions from 9 submitters: Uncertain significance (7); Likely benign (1). 1 of the submissions does not count toward it. Last evaluated 2026-01-13.

Conditions:
Classic or attenuated familial adenomatous polyposis. Identifiers: MedGen CN372698, MONDO:0021057.
Hereditary cancer-predisposing syndrome. Also called: Neoplastic Syndromes, Hereditary; Tumor predisposition; Hereditary Cancer Syndrome; Hereditary neoplastic syndrome. Identifiers: Orphanet 140162, MedGen C0027672, MeSH D009386, MONDO:0015356.
Familial adenomatous polyposis 1 (FAP1). Also called: FAMILIAL ADENOMATOUS POLYPOSIS 1, ATTENUATED; POLYPOSIS, ADENOMATOUS INTESTINAL. Identifiers: MedGen C2713442, MONDO:0021056, OMIM 175100. Disease mechanism: loss of function.

Allele frequency attached by ClinVar (database versions not stated): TOPMed 0.00002; ExAC 0.00004; gnomAD 0.00004; gnomAD exomes 0.00004.
gnomAD v4.1: 73 of 1,613,990 alleles (0.0045%); highest among the groups gnomAD compares: Non-Finnish European, 0.0058%; no homozygotes.

Submissions (9):

Labcorp Genetics (formerly Invitae), Labcorp
Classification: Uncertain significance for Familial adenomatous polyposis 1. Last evaluated: 2026-01-13. Review status: criteria provided, single submitter. Criteria: Invitae Variant Classification Sherloc (09022015). Collection method: clinical testing. Allele origin: germline.
Comment: This sequence change replaces arginine, which is basic and polar, with histidine, which is basic and polar, at codon 845 of the APC protein (p.Arg845His). This variant is present in population databases (rs776878597, gnomAD 0.008%). This missense change has been observed in individual(s) with Lynch syndrome (PMID: 22395475). ClinVar contains an entry for this variant (Variation ID: 188210). Invitae Evidence Modeling of protein sequence and biophysical properties (such as structural, functional, and spatial information, amino acid conservation, physicochemical variation, residue mobility, and thermodynamic stability) indicates that this missense variant is not expected to disrupt APC protein function with a negative predictive value of 95%. In summary, the available evidence is currently insufficient to determine the role of this variant in disease. Therefore, it has been classified as a Variant of Uncertain Significance.

Color Diagnostics, LLC DBA Color Health
Classification: Uncertain significance for Hereditary cancer-predisposing syndrome. Last evaluated: 2025-12-16. Review status: criteria provided, single submitter. Criteria: ACMG Guidelines, 2015. Collection method: clinical testing. Allele origin: germline.
Comment: This missense variant replaces arginine with histidine at codon 845 of the APC protein. Computational prediction suggests that this variant may not impact protein structure and function. To our knowledge, functional studies have not been reported for this variant. This variant has been reported in an individual affected with colon cancer and polyps (PMID: 22395475). This variant has been identified in 73/1613990 chromosomes in the general population by the Genome Aggregation Database (gnomAD). The available evidence is insufficient to determine the role of this variant in disease conclusively. Therefore, this variant is classified as a Variant of Uncertain Significance.

All of Us Research Program, National Institutes of Health
Classification: Uncertain significance for Classic or attenuated familial adenomatous polyposis. Last evaluated: 2024-09-23. Review status: criteria provided, single submitter. Criteria: ACMG Guidelines, 2015. Collection method: clinical testing. Allele origin: germline. Inheritance: Autosomal dominant inheritance. Observed: 9 variant alleles, 9 heterozygotes.
Comment: This missense variant replaces arginine with histidine at codon 845 of the APC protein. Computational prediction suggests that this variant may not impact protein structure and function (internally defined REVEL score threshold <= 0.5, PMID: 27666373). To our knowledge, functional studies have not been reported for this variant. This variant has been reported in an individual affected with Lynch syndrome (PMID: 22395475). This variant has been identified in 9/251146 chromosomes in the general population by the Genome Aggregation Database (gnomAD). The available evidence is insufficient to determine the role of this variant in disease conclusively. Therefore, this variant is classified as a Variant of Uncertain Significance.

This study involves interpretation of variants in research participants for the purpose of population health screening. Participant phenotype was not available at the time of variant classification. Additional details can be found in publication PMID: 35346344, PMCID: PMC8962531

Baylor Genetics
Classification: Uncertain significance for Familial adenomatous polyposis 1. Last evaluated: 2023-07-29. Review status: criteria provided, single submitter. Criteria: ACMG Guidelines, 2015. Collection method: clinical testing. Allele origin: unknown.

Myriad Genetics, Inc.
Classification: Uncertain significance for Familial adenomatous polyposis 1. Last evaluated: 2023-02-15. Review status: criteria provided, single submitter. Criteria: Myriad Autosomal Dominant, Autosomal Recessive and X-Linked Classification Criteria (2023). Collection method: clinical testing. Allele origin: unknown.
Comment: This variant is classified as a variant of uncertain significance as there is insufficient evidence to determine its impact on protein function and/or cancer risk.

GeneDx
Classification: Uncertain significance. Last evaluated: 2022-09-22. Review status: criteria provided, single submitter. Criteria: GeneDx Variant Classification Process June 2021. Collection method: clinical testing. Allele origin: germline. Affected: yes.
Comment: In silico analysis supports that this missense variant does not alter protein structure/function; This variant is associated with the following publications: (PMID: 27329244, 22395475)

Ambry Genetics
Classification: Likely benign for Hereditary cancer-predisposing syndrome. Last evaluated: 2022-08-09. Review status: criteria provided, single submitter. Criteria: Ambry Variant Classification Scheme 2023. Collection method: clinical testing. Allele origin: germline.

Sema4
Classification: Uncertain significance for Hereditary cancer-predisposing syndrome. Last evaluated: 2021-05-27. Review status: criteria provided, single submitter. Criteria: Sema4 Curation Guidelines. Collection method: curation. Allele origin: germline.
Comment: The APC c.2534G>A (p.R845H) has been reported in heterozygosity in at least one individual with Lynch syndrome (PMID: 31403082). It was observed in 9/113472 chromosomes of the Non-Finnish European subpopulation in the large and broad cohorts of the Genome Aggregation Database (PMID: 32461654). This variant has been reported in ClinVar (Variation ID: 188210). Functional studies have not been performed, and in silico predictions of the variant's effect on protein function are inconclusive. The evidence is insufficient to meet ACMG/AMP criteria for classifying the variant as benign or pathogenic. Thus, the clinical significance of this variant is currently uncertain.

Counsyl
Classification: Uncertain significance for Familial adenomatous polyposis 1. Last evaluated: 2017-04-19. Review status: no assertion criteria provided. Collection method: clinical testing. Allele origin: unknown. Not counted in ClinVar's aggregate classification.

Literature cited by the submitters: PubMed 22395475 (cited by 5 submitters); PubMed 31403082 (cited by Sema4).

NM_000038.6(APC):c.2534G>A (p.Arg845His)

Gene: APC (APC regulator of Wnt signaling pathway; plus strand). Cytogenetic location: 5q22.2.
Variant type: single nucleotide variant.
Coding change: c.2534G>A on transcript NM_000038.6 (MANE Select); coding-DNA position 2534, G replaced by A.
Protein change: p.Arg845His; replaces arginine 845 with histidine.
Molecular consequence: missense variant.
Genome position (GRCh38, 1-based): chr5:112,838,128, G>A. VCF-style: chr5-112838128-G-A. GRCh37 (hg19) VCF-style: chr5-112173825-G-A.
Other names: c.2534G>A, p.Arg845His (NM_001127510.3, NM_001354895.2); c.2480G>A, p.Arg827His (NM_001127511.3); c.2588G>A, p.Arg863His (NM_001354896.2); c.2564G>A, p.Arg855His (NM_001354897.2); c.2459G>A, p.Arg820His (NM_001354898.2); c.2450G>A, p.Arg817His (NM_001354899.2); c.2411G>A, p.Arg804His (NM_001354900.2); c.2357G>A, p.Arg786His (NM_001354901.2); and 5 more; short protein forms R827H, R845H, R719H, R754H, R786H, R820H, R685H, R744H.
Identifiers: ClinVar variation 188210 (VCV000188210.30), dbSNP rs776878597, ClinGen allele CA007574.